The following is an entry in ClinVar:

ClinVar aggregate classification (germline): Uncertain significance (1 of 4 stars; one submission).

Conditions:
Progressive sclerosing poliodystrophy (MTDPS4A). Also called: ALPERS PROGRESSIVE INFANTILE POLIODYSTROPHY; NEURONAL DEGENERATION OF CHILDHOOD WITH LIVER DISEASE, PROGRESSIVE; Alpers Syndrome; ALPERS DIFFUSE DEGENERATION OF CEREBRAL GRAY MATTER WITH HEPATIC CIRRHOSIS; Alpers-Huttenlocher Syndrome; Mitochondrial DNA depletion syndrome 4A (Alpers type). Identifiers: Orphanet 726, MedGen C0205710, MONDO:0008758, OMIM 203700.

Submission:

Labcorp Genetics (formerly Invitae), Labcorp
Classification: Uncertain significance for Progressive sclerosing poliodystrophy. Last evaluated: 2023-09-01. Review status: criteria provided, single submitter. Criteria: Invitae Variant Classification Sherloc (09022015). Collection method: clinical testing. Allele origin: germline.
Comment: In summary, the available evidence is currently insufficient to determine the role of this variant in disease. Therefore, it has been classified as a Variant of Uncertain Significance. Advanced modeling of protein sequence and biophysical properties (such as structural, functional, and spatial information, amino acid conservation, physicochemical variation, residue mobility, and thermodynamic stability) performed at Invitae indicates that this missense variant is expected to disrupt POLG protein function. This variant has not been reported in the literature in individuals affected with POLG-related conditions. This variant is not present in population databases (gnomAD no frequency). This sequence change replaces alanine, which is neutral and non-polar, with valine, which is neutral and non-polar, at codon 865 of the POLG protein (p.Ala865Val).

NM_002693.3(POLG):c.2594C>T (p.Ala865Val)

Gene: POLG (DNA polymerase gamma, catalytic subunit; minus strand). Cytogenetic location: 15q26.1.
Variant type: single nucleotide variant.
Coding change: c.2594C>T on transcript NM_002693.3 (MANE Select); coding-DNA position 2594, C replaced by T.
Protein change: p.Ala865Val; replaces alanine 865 with valine.
Molecular consequence: missense variant.
Genome position (GRCh38, 1-based): chr15:89,321,740, G>A on the plus strand (C>T on the coding strand, the complement: POLG is on the minus strand). VCF-style: chr15-89321740-G-A. GRCh37 (hg19) VCF-style: chr15-89864971-G-A.
Other names: c.2594C>T, p.Ala865Val (NM_001126131.2); short protein forms A865V.
Identifiers: ClinVar variation 2757345 (VCV002757345.3), dbSNP rs2055399086, ClinGen allele CA393754145.